The following is an entry in ClinVar:

ClinVar aggregate classification (germline): Likely benign. Review status: criteria provided, multiple submitters, no conflicts (2 of 4 stars). 2 submissions from 2 submitters: Likely benign (2). Last evaluated 2025-06-12.

Conditions:
Tuberous sclerosis 2 (TSC2). Identifiers: Orphanet 805, MedGen C1860707, MONDO:0013199, OMIM 613254.

Allele frequency attached by ClinVar (database versions not stated): gnomAD 0.00001; gnomAD exomes 0.00001; TOPMed 0.00001; ExAC 0.00002; ESP Exome Variant Server 0.00008.
gnomAD v4.1: 2 of 1,606,096 alleles (0.00012%); highest among the groups gnomAD compares: African/African-American, 0.0027%; no homozygotes.

Submissions (2):

Labcorp Genetics (formerly Invitae), Labcorp
Classification: Likely benign for Tuberous sclerosis 2. Last evaluated: 2025-06-12. Review status: criteria provided, single submitter. Criteria: Invitae Variant Classification Sherloc (09022015). Collection method: clinical testing. Allele origin: germline.

Myriad Genetics, Inc.
Classification: Likely benign for Tuberous sclerosis 2. Last evaluated: 2024-08-07. Review status: criteria provided, single submitter. Criteria: Myriad Autosomal Dominant, Autosomal Recessive and X-Linked Classification Criteria (2023). Collection method: clinical testing. Allele origin: unknown.
Comment: This variant is considered likely benign. This variant is intronic and is not expected to impact mRNA splicing. This variant has been observed at a population frequency that is significantly greater than expected given the associated disease prevalence and penetrance.

NM_000548.5(TSC2):c.1258-9T>G

Gene: TSC2 (TSC complex subunit 2; plus strand). Cytogenetic location: 16p13.3.
Variant type: single nucleotide variant.
Coding change: c.1258-9T>G on transcript NM_000548.5 (MANE Select); 9 bases into the intron before coding-DNA position 1258, T replaced by G.
Molecular consequence: intron variant.
Genome position (GRCh38, 1-based): chr16:2,062,488, T>G. VCF-style: chr16-2062488-T-G. GRCh37 (hg19) VCF-style: chr16-2112489-T-G.
Other names: c.1258-9T>G (NM_001114382.3, NM_021055.3, NM_001370405.1 and 3 more transcripts); c.1147-9T>G (NM_001318827.2); c.658-9T>G (NM_001318831.2); c.1111-9T>G (NM_001318829.2); c.1291-9T>G (NM_001318832.2).
Identifiers: ClinVar variation 752331 (VCV000752331.10), dbSNP rs377188047, ClinGen allele CA029102.